The following is an entry in ClinVar:

NM_001283041.3(USP25):c.3208C>T (p.His1070Tyr)

Gene: USP25 (ubiquitin specific peptidase 25; plus strand). Cytogenetic location: 21q21.1.
Variant type: single nucleotide variant.
Coding change: c.3208C>T on transcript NM_001283041.3 (MANE Select); coding-DNA position 3208, C replaced by T.
Protein change: p.His1070Tyr; replaces histidine 1070 with tyrosine.
Molecular consequence: missense variant.
Genome position (GRCh38, 1-based): chr21:15,878,305, C>T. VCF-style: chr21-15878305-C-T. GRCh37 (hg19) VCF-style: chr21-17250624-C-T.
Other names: c.3094C>T, p.His1032Tyr (NM_001283042.3); c.2335C>T, p.His779Tyr (NM_001352560.2, NM_001388299.1); c.1786C>T, p.His596Tyr (NM_001352561.2, NM_001388300.1, NM_001388301.1); c.1777C>T, p.His593Tyr (NM_001388302.1); c.2998C>T, p.His1000Tyr (NM_013396.6); short protein forms H1032Y, H593Y, H596Y, H779Y, H1070Y, H1000Y.
Identifiers: ClinVar variation 2385877 (VCV002385877.8), dbSNP rs143875283, ClinGen allele CA9982459.

ClinVar aggregate classification (germline): Conflicting classifications of pathogenicity. Review status: criteria provided, conflicting classifications (1 of 4 stars). 2 submissions from 2 submitters: Uncertain significance (1); Likely benign (1). Last evaluated 2026-09-01.

Allele frequency attached by ClinVar (database versions not stated): 1000 Genomes Project 0.00020; 1000 Genomes Project 30x 0.00031; ExAC 0.00039; gnomAD exomes 0.00079; ESP Exome Variant Server 0.00046; gnomAD 0.00046; TOPMed 0.00047.
gnomAD v4.1: 1,224 of 1,610,608 alleles (0.076%); highest among the groups gnomAD compares: Non-Finnish European, 0.095%; 2 homozygotes.

Submissions (2):

CeGaT Center for Human Genetics Tuebingen
Classification: Likely benign. Last evaluated: 2026-09-01. Review status: criteria provided, single submitter. Criteria: CeGaT Center For Human Genetics Tuebingen Variant Classification Criteria Version 2. Collection method: clinical testing. Allele origin: germline. Affected: yes. Observed: 4 variant alleles.
Comment: USP25: BP4, BS1

Ambry Genetics
Classification: Uncertain significance. Last evaluated: 2021-09-15. Review status: criteria provided, single submitter. Criteria: Ambry Variant Classification Scheme 2023. Collection method: clinical testing. Allele origin: germline.